The following is an entry in ClinVar:

ClinVar aggregate classification (germline): Uncertain significance. Review status: criteria provided, multiple submitters, no conflicts (2 of 4 stars). 3 submissions from 3 submitters: Uncertain significance (3). Last evaluated 2025-10-24.

Conditions:
EAST syndrome (SESAMES). Also called: SEIZURES, SENSORINEURAL DEAFNESS, ATAXIA, IMPAIRED INTELLECTUAL DEVELOPMENT, AND ELECTROLYTE IMBALANCE. Identifiers: Orphanet 199343, MedGen C2748572, MONDO:0013005, OMIM 612780.
Autosomal recessive nonsyndromic hearing loss 4 (DFNB4). Also called: FOXI1-Related Pendred Syndrome; KCNJ10-Related Pendred Syndrome; Deafness, autosomal recessive 4, with enlarged vestibular aqueduct; Enlarged vestibular aqueduct, digenic; Deafness, autosomal recessive 4; DEAFNESS, AUTOSOMAL RECESSIVE 4, WITH ENLARGED VESTIBULAR AQUEDUCT, DIGENIC. Identifiers: Orphanet 90636, MedGen C3538946, MONDO:0010933, OMIM 600791.
Pendred syndrome (PDS). Also called: Pendred Syndrome (PDS); GOITER-DEAFNESS SYNDROME; HYPOTHYROIDISM, CONGENITAL, DUE TO DYSHORMONOGENESIS, 2B; Pendred's syndrome; THYROID DYSHORMONOGENESIS 2B; THYROID HORMONOGENESIS, GENETIC DEFECT IN, 2B. Identifiers: Orphanet 705, MedGen C0271829, MONDO:0010134, OMIM 274600.

Allele frequency attached by ClinVar (database versions not stated): gnomAD 0.00001; TOPMed 0.00001; ExAC 0.00002; gnomAD exomes 0.00002.
gnomAD v4.1: 32 of 1,614,000 alleles (0.002%); highest among the groups gnomAD compares: Admixed American, 0.0033%; no homozygotes.

Submissions (3):

Labcorp Genetics (formerly Invitae), Labcorp
Classification: Uncertain significance for EAST syndrome. Last evaluated: 2025-10-24. Review status: criteria provided, single submitter. Criteria: Invitae Variant Classification Sherloc (09022015). Collection method: clinical testing. Allele origin: germline.
Comment: This sequence change replaces arginine, which is basic and polar, with tryptophan, which is neutral and slightly polar, at codon 27 of the KCNJ10 protein (p.Arg27Trp). This variant is present in population databases (rs769464065, gnomAD 0.008%). This variant has not been reported in the literature in individuals affected with KCNJ10-related conditions. ClinVar contains an entry for this variant (Variation ID: 1058689). Invitae Evidence Modeling of protein sequence and biophysical properties (such as structural, functional, and spatial information, amino acid conservation, physicochemical variation, residue mobility, and thermodynamic stability) has been performed for this missense variant. However, the output from this modeling did not meet the statistical confidence thresholds required to predict the impact of this variant on KCNJ10 protein function. In summary, the available evidence is currently insufficient to determine the role of this variant in disease. Therefore, it has been classified as a Variant of Uncertain Significance.

Blueprint Genetics
Classification: Uncertain significance. Last evaluated: 2022-09-08. Review status: criteria provided, single submitter. Criteria: ACMG Guidelines, 2015. Collection method: clinical testing. Allele origin: germline.

Fulgent Genetics
Classification: Uncertain significance for Pendred syndrome; Autosomal recessive nonsyndromic hearing loss 4; EAST syndrome. Last evaluated: 2021-09-19. Review status: criteria provided, single submitter. Criteria: ACMG Guidelines, 2015. Collection method: clinical testing. Allele origin: unknown.

NM_002241.5(KCNJ10):c.79C>T (p.Arg27Trp)

Gene: KCNJ10 (potassium inwardly rectifying channel subfamily J member 10; minus strand). Cytogenetic location: 1q23.2.
Variant type: single nucleotide variant.
Coding change: c.79C>T on transcript NM_002241.5 (MANE Select); coding-DNA position 79, C replaced by T.
Protein change: p.Arg27Trp; replaces arginine 27 with tryptophan.
Molecular consequence: missense variant.
Genome position (GRCh38, 1-based): chr1:160,042,454, G>A on the plus strand (C>T on the coding strand, the complement: KCNJ10 is on the minus strand). VCF-style: chr1-160042454-G-A. GRCh37 (hg19) VCF-style: chr1-160012244-G-A.
Other names: short protein forms R27W.
Identifiers: ClinVar variation 1058689 (VCV001058689.9), dbSNP rs769464065, ClinGen allele CA1193300.